The following is an entry in ClinVar:

ClinVar aggregate classification (germline): Uncertain significance (1 of 4 stars; one submission).

Conditions:
Brachyolmia-amelogenesis imperfecta syndrome. Also called: Tooth agenesis, selective, 6; Dental anomalies and short stature; PLATYSPONDYLY WITH AMELOGENESIS IMPERFECTA. Identifiers: Orphanet 2899, MedGen C1832594, MONDO:0011018, OMIM 601216. Disease mechanism: loss of function.

Submission:

Labcorp Genetics (formerly Invitae), Labcorp
Classification: Uncertain significance for Brachyolmia-amelogenesis imperfecta syndrome. Last evaluated: 2023-06-10. Review status: criteria provided, single submitter. Criteria: Invitae Variant Classification Sherloc (09022015). Collection method: clinical testing. Allele origin: germline.
Comment: An algorithm developed to predict the effect of missense changes on protein structure and function (PolyPhen-2) suggests that this variant is likely to be disruptive. This variant has not been reported in the literature in individuals affected with LTBP3-related conditions. This variant is not present in population databases (gnomAD no frequency). This sequence change replaces leucine, which is neutral and non-polar, with arginine, which is basic and polar, at codon 921 of the LTBP3 protein (p.Leu921Arg). In summary, the available evidence is currently insufficient to determine the role of this variant in disease. Therefore, it has been classified as a Variant of Uncertain Significance.

NM_001130144.3(LTBP3):c.2762T>G (p.Leu921Arg)

Gene: LTBP3 (latent transforming growth factor beta binding protein 3; minus strand). Cytogenetic location: 11q13.1.
Variant type: single nucleotide variant.
Coding change: c.2762T>G on transcript NM_001130144.3 (MANE Select); coding-DNA position 2762, T replaced by G.
Protein change: p.Leu921Arg; replaces leucine 921 with arginine.
Molecular consequence: missense variant.
Genome position (GRCh38, 1-based): chr11:65,541,257, A>C on the plus strand (T>G on the coding strand, the complement: LTBP3 is on the minus strand). VCF-style: chr11-65541257-A-C. GRCh37 (hg19) VCF-style: chr11-65308728-A-C.
Other names: c.2411T>G, p.Leu804Arg (NM_001164266.1); c.2762T>G, p.Leu921Arg (NM_021070.4); short protein forms L921R, L804R.
Identifiers: ClinVar variation 3013640 (VCV003013640.3), dbSNP rs2496130423, ClinGen allele CA381268456.